The following is an entry in ClinVar:

ClinVar aggregate classification (germline): Conflicting classifications of pathogenicity. Review status: criteria provided, conflicting classifications (1 of 4 stars). 12 submissions from 12 submitters: Uncertain significance (6); Likely benign (6). Last evaluated 2026-08-06.

Conditions:
Hereditary nonpolyposis colorectal neoplasms. Identifiers: MedGen C0009405, MeSH D003123.
Mismatch repair cancer syndrome 4. Identifiers: MedGen C5436817, MONDO:0030843, OMIM 619101.
Breast and/or ovarian cancer. Identifiers: MedGen CN221562.
Hereditary cancer-predisposing syndrome. Also called: Tumor predisposition; Neoplastic Syndromes, Hereditary; Hereditary Cancer Syndrome; Hereditary neoplastic syndrome. Identifiers: Orphanet 140162, MedGen C0027672, MeSH D009386, MONDO:0015356.
Lynch syndrome 4 (LYNCH4). Also called: Colorectal cancer, hereditary nonpolyposis, type 4; Hereditary non-polyposis colorectal cancer, type 4. Identifiers: Orphanet 144, MedGen C1838333, MONDO:0013699, OMIM 614337. Disease mechanism: loss of function.

Allele frequency attached by ClinVar (database versions not stated): gnomAD below 0.00001 and 0.00003; TOPMed 0.00001; gnomAD exomes 0.00004 and 0.00008; ExAC 0.00008.

Submissions (12):

OLLIN Analises Genomicas, OLLIN
Classification: Uncertain significance for Mismatch repair cancer syndrome 4. Last evaluated: 2026-08-06. Review status: criteria provided, single submitter. Criteria: ACMG Guidelines 2015 PMID 25741868. Collection method: clinical testing. Allele origin: germline.
Comment: This missense variant, located in exon 11 (of 15), has been reported in ClinVar (accession VCV000216455.44) and in gnomAD with an allele frequency of 0.0039%. However, to our knowledge, it has not been reported in the scientific literature. In silico analysis predicts that this variant has a tolerated effect. According to the currently available evidence, this variant has been classified as uncertain significance (BP4).

Labcorp Genetics (formerly Invitae), Labcorp
Classification: Likely benign for Hereditary nonpolyposis colorectal neoplasms. Last evaluated: 2026-01-31. Review status: criteria provided, single submitter. Criteria: Invitae Variant Classification Sherloc (09022015). Collection method: clinical testing. Allele origin: germline.

GeneDx
Classification: Uncertain significance. Last evaluated: 2026-01-24. Review status: criteria provided, single submitter. Criteria: GeneDx Variant Classification Process June 2021. Collection method: clinical testing. Allele origin: germline. Affected: yes.
Comment: Observed in individuals with prostate or breast cancer (PMID: 25186627, 29368341); In silico analysis suggests that this missense variant does not alter protein structure/function; This variant is associated with the following publications: (PMID: 29596542, 25186627, 29368341, 33471991)

Women's Health and Genetics/Laboratory Corporation of America, LabCorp
Classification: Likely benign. Last evaluated: 2025-06-27. Review status: criteria provided, single submitter. Criteria: LabCorp Variant Classification Summary - May 2015. Collection method: clinical testing. Allele origin: germline.
Comment: Variant summary: PMS2 c.1733G>A (p.Arg578His) results in a non-conservative amino acid change in the encoded protein sequence. Algorithms developed to predict the effect of missense changes on protein structure and function are either unavailable or do not agree on the potential impact of this missense change. The variant allele was found at a frequency of 8e-05 in 251352 control chromosomes, predominantly at a frequency of 0.00056 within the South Asian subpopulation in the gnomAD database. The observed variant frequency within South Asian control individuals in the gnomAD database is approximately 4.93 fold of the estimated maximal expected allele frequency for a pathogenic variant in PMS2 causing Lynch Syndrome phenotype (0.00011). c.1733G>A has been observed in individual(s) affected with prostate cancer (Velho_2018). These report(s) do not provide unequivocal conclusions about association of the variant with Lynch Syndrome. To our knowledge, no experimental evidence demonstrating an impact on protein function has been reported. The following publication have been ascertained in the context of this evaluation (PMID: 29368341). ClinVar contains an entry for this variant (Variation ID: 216455). Based on the evidence outlined above, the variant was classified as likely benign.

Center for Genomic Medicine, Rigshospitalet, Copenhagen University Hospital
Classification: Likely benign. Last evaluated: 2025-03-04. Review status: criteria provided, single submitter. Criteria: ACMG Guidelines, 2015. Collection method: clinical testing. Allele origin: germline.

CeGaT Center for Human Genetics Tuebingen
Classification: Likely benign. Last evaluated: 2025-02-01. Review status: criteria provided, single submitter. Criteria: CeGaT Center For Human Genetics Tuebingen Variant Classification Criteria Version 2. Collection method: clinical testing. Allele origin: germline. Affected: yes. Observed: 1 variant allele.
Comment: PMS2: BP4, BS1

Baylor Genetics
Classification: Uncertain significance for Lynch syndrome 4. Last evaluated: 2024-02-22. Review status: criteria provided, single submitter. Criteria: ACMG Guidelines, 2015. Collection method: clinical testing. Allele origin: unknown.

Quest Diagnostics Nichols Institute San Juan Capistrano
Classification: Uncertain significance. Last evaluated: 2024-01-31. Review status: criteria provided, single submitter. Criteria: Quest Diagnostics criteria. Collection method: clinical testing. Allele origin: unknown.
Comment: The PMS2 c.1733G>A (p.Arg578His) variant has been reported in the published literature in an individual with breast cancer (PMID: 25186627 (2015)), in an individual with prostate cancer (PMID: 29368341 (2018)), in a tumor sample of an individual with colorectal cancer (PMID: 29596542 (2018)), and in reportedly healthy individuals (PMID: 33471991 (2021), see also LOVD). The frequency of this variant in the general population, 0.00056 (17/30614 chromosomes in South Asian subpopulation (Genome Aggregation Database)), is higher than would generally be expected for pathogenic variants in this gene. Analysis of this variant using bioinformatics tools for the prediction of the effect of amino acid changes on protein structure and function yielded conflicting predictions that this variant is benign or damaging. Based on the available information, we are unable to determine the clinical significance of this variant.

CHEO Genetics Diagnostic Laboratory, Children's Hospital of Eastern Ontario
Classification: Uncertain significance for Breast and/or ovarian cancer. Last evaluated: 2023-01-05. Review status: criteria provided, single submitter. Criteria: ACMG Guidelines, 2015. Collection method: clinical testing. Allele origin: germline.

Sema4
Classification: Uncertain significance for Hereditary cancer-predisposing syndrome. Last evaluated: 2021-09-28. Review status: criteria provided, single submitter. Criteria: Sema4 Curation Guidelines. Collection method: curation. Allele origin: germline.
Comment: The PMS2 c.1733G>A (p.R578H) variant has been reported in heterozygosity in at least two individuals with colorectal cancer or prostate cancer (PMID: 29596542, 29368341). This variant was observed in 17/30614 chromosomes in the South Asian population, with no homozygotes, according to the Genome Aggregation Database (PMID: 32461654), and has been reported in ClinVar (Variation ID: 216455). Functional studies have not been performed, and in silico predictions of the variant's effect on protein function are inconclusive. Based on the current evidence available, this variant is interpreted as a variant of uncertain significance.

Ambry Genetics
Classification: Likely benign for Hereditary cancer-predisposing syndrome. Last evaluated: 2021-03-22. Review status: criteria provided, single submitter. Criteria: Ambry Variant Classification Scheme 2023. Collection method: clinical testing. Allele origin: germline.

Color Diagnostics, LLC DBA Color Health
Classification: Likely benign for Hereditary cancer-predisposing syndrome. Last evaluated: 2020-03-17. Review status: criteria provided, single submitter. Criteria: ACMG Guidelines, 2015. Collection method: clinical testing. Allele origin: germline.

Literature cited by the submitters: PubMed 29368341 (cited by 4 submitters); PubMed 29596542 (cited by Quest Diagnostics Nichols Institute San Juan Capistrano and Sema4); PubMed 33471991 (cited by Quest Diagnostics Nichols Institute San Juan Capistrano); PubMed 25186627 (cited by Quest Diagnostics Nichols Institute San Juan Capistrano); PubMed 32459922 (cited by Quest Diagnostics Nichols Institute San Juan Capistrano).

NM_000535.7(PMS2):c.1733G>A (p.Arg578His)

Gene: PMS2 (PMS1 homolog 2, mismatch repair system component; minus strand). Cytogenetic location: 7p22.1.
Variant type: single nucleotide variant.
Coding change: c.1733G>A on transcript NM_000535.7 (MANE Select); coding-DNA position 1733, G replaced by A.
Protein change: p.Arg578His; replaces arginine 578 with histidine.
Molecular consequence: missense variant. On other transcripts: non-coding transcript variant (1).
Genome position (GRCh38, 1-based): chr7:5,987,032, C>T on the plus strand (G>A on the coding strand, the complement: PMS2 is on the minus strand). VCF-style: chr7-5987032-C-T. GRCh37 (hg19) VCF-style: chr7-6026663-C-T.
Other names: c.1328G>A, p.Arg443His (NM_001322003.2, NM_001322004.2, NM_001322005.2 and 1 more transcripts); c.1577G>A, p.Arg526His (NM_001322006.2); c.1415G>A, p.Arg472His (NM_001322007.2, NM_001322008.2); c.1172G>A, p.Arg391His (NM_001322010.2); c.800G>A, p.Arg267His (NM_001322011.2, NM_001322012.2); c.1160G>A, p.Arg387His (NM_001322013.2); c.1733G>A, p.Arg578His (NM_001322014.2); c.1424G>A, p.Arg475His (NM_001322015.2); short protein forms R578H, R267H, R443H, R472H, R475H, R526H, R387H, R391H.
Identifiers: ClinVar variation 216455 (VCV000216455.46), dbSNP rs63750770, ClinGen allele CA045451.